The following is an entry in ClinVar:

NM_007255.3(B4GALT7):c.277dup (p.His93fs)

Gene: B4GALT7 (beta-1,4-galactosyltransferase 7; plus strand). Cytogenetic location: 5q35.3.
Variant type: Duplication.
Coding change: c.277dup on transcript NM_007255.3 (MANE Select); coding-DNA position 277, one base duplicated (C; older notation c.277dupC).
Protein change: p.His93fs; shifts the reading frame from histidine 93.
Molecular consequence: frameshift variant.
Genome position (GRCh38, 1-based): chr5:177,604,405, C duplicated; the last of 5 consecutive C bases (chr5:177,604,401-177,604,405); duplicating any one gives the same sequence. VCF-style (leftmost placement, unchanged base first): chr5-177604400-G-GC. GRCh37 (hg19) VCF-style: chr5-177031401-G-GC.
Other names: B4GALT7, 1-BP DUP, 277C; c.277dupC (NM_007255.3); c.277dup (NM_007255.2); short protein forms H93fs.
Identifiers: ClinVar variation 253109 (VCV000253109.63), dbSNP rs879255634, ClinGen allele CA3586426.

ClinVar aggregate classification (germline): Conflicting classifications of pathogenicity. Review status: criteria provided, conflicting classifications (1 of 4 stars). 13 submissions from 13 submitters: Pathogenic (8); Likely pathogenic (3); Uncertain significance (1). 1 of the submissions does not count toward it. Last evaluated 2026-02-25.

Conditions:
Fetal anomalies with a likely genetic cause.
Ehlers-Danlos syndrome, spondylodysplastic type, 1 (EDSSPD1). Also called: DERMATAN SULFATE PROTEOGLYCAN; EHLERS-DANLOS SYNDROME, PROGEROID TYPE, 1; GALACTOSYLTRANSFERASE I DEFICIENCY; PDS, DEFECTIVE BIOSYNTHESIS OF; XGPT DEFICIENCY; XYLOSYLPROTEIN 4-BETA-GALACTOSYLTRANSFERASE DEFICIENCY. Identifiers: Orphanet 75496, MedGen C4552003, MONDO:0020682, OMIM 130070.
Inborn genetic diseases. Identifiers: MedGen C0950123, MeSH D030342.
Spondylodysplastic Ehlers-Danlos syndrome. Identifiers: Orphanet 536471, Orphanet 75496, MedGen C5680154, MONDO:0007526.

Submissions (13):

Genetics Laboratory, Great Ormond Street Hospital NHS Foundation Trust, North Thames Genomic Laboratory Hub
Classification: Pathogenic for Fetal anomalies with a likely genetic cause. Last evaluated: 2026-02-25. Review status: criteria provided, single submitter. Criteria: ACGS Best Practice Guidelines for Variant Classification in Rare Disease 2024 v1.2. Collection method: clinical testing. Allele origin: germline. Affected: yes.
Comment: PM2_moderate, PVS1_very-strong

Dasa
Classification: Pathogenic. Last evaluated: 2026-01-30. Review status: criteria provided, single submitter. Criteria: DASA Assertion Criteria. Collection method: clinical testing. Allele origin: germline.
Comment: NM_007255.3(B4GALT7):c.277dup (p.His93Profs*73) introduces a premature termination codon predicted to result in loss of normal protein function. Loss-of-function is an established mechanism of disease for this gene. This variant has been recurrently observed in individuals with related phenotype (PMID: 31614862; PMID: 26940150). The variant is present at low frequency in population datasets. Based on the available data, this variant is classified as pathogenic.

Labcorp Genetics (formerly Invitae), Labcorp
Classification: Pathogenic for Spondylodysplastic Ehlers-Danlos syndrome. Last evaluated: 2026-01-26. Review status: criteria provided, single submitter. Criteria: Invitae Variant Classification Sherloc (09022015). Collection method: clinical testing. Allele origin: germline.
Comment: This sequence change creates a premature translational stop signal (p.His93Profs*73) in the B4GALT7 gene. It is expected to result in an absent or disrupted protein product. Loss-of-function variants in B4GALT7 are known to be pathogenic (PMID: 26940150, 31614862, 38431799). This variant is present in population databases (rs539880083, gnomAD 0.04%). This premature translational stop signal has been observed in individuals with clinical features of Ehlers-Danlos syndrome or spondylodysplastic type 1 (PMID: 25533962, 31614862). ClinVar contains an entry for this variant (Variation ID: 253109). For these reasons, this variant has been classified as Pathogenic.

GeneDx
Classification: Likely pathogenic. Last evaluated: 2025-12-15. Review status: criteria provided, single submitter. Criteria: GeneDx Variant Classification Process June 2021. Collection method: clinical testing. Allele origin: germline. Affected: yes.
Comment: Identified in patients with features consistent with spondylodysplastic Ehlers-Danlos (spEDS) syndrome in published literature (PMID: 26940150, 25533962, 31614862); Frameshift variant predicted to result in protein truncation or nonsense mediated decay in a gene for which loss of function is a known mechanism of disease; This variant is associated with the following publications: (PMID: 31614862, 31589614, 26940150, 37010288, 25533962, 39981085, 38431799)

Blueprint Genetics
Classification: Uncertain significance. Last evaluated: 2024-06-13. Review status: criteria provided, single submitter. Criteria: ACMG Guidelines, 2015. Collection method: clinical testing. Allele origin: germline.

Revvity Omics, Revvity
Classification: Likely pathogenic for Ehlers-Danlos syndrome, spondylodysplastic type, 1. Last evaluated: 2024-06-04. Review status: criteria provided, single submitter. Criteria: ACMG Guidelines, 2015. Collection method: clinical testing. Allele origin: germline.

Genomic Research Center, Shahid Beheshti University of Medical Sciences
Classification: Pathogenic. Last evaluated: 2024-04-22. Review status: criteria provided, single submitter. Criteria: ACMG Guidelines, 2015. Collection method: clinical testing. Allele origin: unknown.

CeGaT Center for Human Genetics Tuebingen
Classification: Pathogenic. Last evaluated: 2024-03-01. Review status: criteria provided, single submitter. Criteria: CeGaT Center For Human Genetics Tuebingen Variant Classification Criteria Version 2. Collection method: clinical testing. Allele origin: germline. Affected: yes. Observed: 2 variant alleles.
Comment: B4GALT7: PVS1, PM2, PM3

Women's Health and Genetics/Laboratory Corporation of America, LabCorp
Classification: Pathogenic for Ehlers-Danlos syndrome, spondylodysplastic type, 1. Last evaluated: 2023-11-28. Review status: criteria provided, single submitter. Criteria: LabCorp Variant Classification Summary - May 2015. Collection method: clinical testing. Allele origin: germline.
Comment: Variant summary: B4GALT7 c.277dupC (p.His93ProfsX73) results in a premature termination codon, predicted to cause a truncation of the encoded protein or absence of the protein due to nonsense mediated decay, which are commonly known mechanisms for disease. The variant allele was found at a frequency of 0.00021 in 246554 control chromosomes. This frequency does not allow conclusions about variant significance. c.277dupC has been reported in the literature as a biallelic compound heterozygous genotype in individuals affected with features of B4GALT7- related syndromes such as spondylodysplastic Ehlers-Danlos Syndrome (spEDS) (example, Salter_2016, cited in Brady_2017, Caraffi_2019). The following publications have been ascertained in the context of this evaluation (PMID: 28306225, 31614862, 26940150). Seven submitters have cited clinical-significance assessments for this variant to ClinVar after 2014. Based on the evidence outlined above, the variant was classified as pathogenic.

Baylor Genetics
Classification: Pathogenic for Ehlers-Danlos syndrome, spondylodysplastic type, 1. Last evaluated: 2022-12-14. Review status: criteria provided, single submitter. Criteria: ACMG Guidelines, 2015. Collection method: clinical testing. Allele origin: unknown.

Ambry Genetics
Classification: Pathogenic for Inborn genetic diseases. Last evaluated: 2021-08-02. Review status: criteria provided, single submitter. Criteria: Ambry Variant Classification Scheme 2023. Collection method: clinical testing. Allele origin: germline.
Comment: The c.277dupC (p.H93Pfs*73) alteration, located in exon 2 (coding exon 2) of the B4GALT7 gene, consists of a duplication of C at position 277, causing a translational frameshift with a predicted alternate stop codon after 73 amino acids. This alteration is expected to result in loss of function by premature protein truncation or nonsense-mediated mRNA decay. This alteration was detected as compound heterozygous with another B4GALT7 alteration in two unrelated individuals with dysmorphic features and abnormal skeletal findings (Salter, 2016; Caraffi, 2019). Based on the available evidence, this alteration is classified as pathogenic.

Juno Genomics, Hangzhou Juno Genomics, Inc
Classification: Likely pathogenic for Ehlers-Danlos syndrome, spondylodysplastic type, 1. Review status: criteria provided, single submitter. Criteria: ACMG Guidelines, 2015. Collection method: clinical testing. Allele origin: germline.
Comment: Null variant in a gene where loss of function (LOF) is a known mechanism of disease.;Absent from controls (or at extremely low frequency if recessive) in Genome Aggregation Database.

OMIM
Classification: Pathogenic for EHLERS-DANLOS SYNDROME, SPONDYLODYSPLASTIC TYPE, 1. Last evaluated: 2017-12-22. Review status: no assertion criteria provided. Collection method: literature only. Allele origin: germline. Not counted in ClinVar's aggregate classification.

Literature cited by the submitters: PubMed 31614862 (cited by 4 submitters); PubMed 26940150 (cited by 5 submitters); PubMed 38431799 (cited by Labcorp Genetics (formerly Invitae), Labcorp); PubMed 25533962 (cited by Labcorp Genetics (formerly Invitae), Labcorp); PubMed 28306225 (cited by Women's Health and Genetics/Laboratory Corporation of America, LabCorp).